The following is an entry in ClinVar:

NM_000382.3(ALDH3A2):c.124C>G (p.Leu42Val)

Gene: ALDH3A2 (aldehyde dehydrogenase 3 family member A2; plus strand). Cytogenetic location: 17p11.2.
Variant type: single nucleotide variant.
Coding change: c.124C>G on transcript NM_000382.3 (MANE Select); coding-DNA position 124, C replaced by G.
Protein change: p.Leu42Val; replaces leucine 42 with valine.
Molecular consequence: missense variant. On other transcripts: 5 prime UTR variant (1).
Genome position (GRCh38, 1-based): chr17:19,649,095, C>G. VCF-style: chr17-19649095-C-G. GRCh37 (hg19) VCF-style: chr17-19552408-C-G.
Other names: c.124C>G, p.Leu42Val (NM_001031806.2, NM_001369136.1, NM_001369137.2 and 3 more transcripts); c.-565C>G (NM_001369148.2); short protein forms L42V.
Identifiers: ClinVar variation 2031723 (VCV002031723.1), dbSNP rs982580046, ClinGen allele CA288537624.

ClinVar aggregate classification (germline): Uncertain significance (1 of 4 stars; one submission).

Allele frequency attached by ClinVar (database versions not stated): TOPMed below 0.00001; gnomAD 0.00001.
gnomAD v4.1: 5 of 1,580,708 alleles (0.00032%); highest among the groups gnomAD compares: Non-Finnish European, 0.00043%; no homozygotes.

Submission:

Labcorp Genetics (formerly Invitae), Labcorp
Classification: Uncertain significance. Last evaluated: 2022-06-15. Review status: criteria provided, single submitter. Criteria: Invitae Variant Classification Sherloc (09022015). Collection method: clinical testing. Allele origin: germline.
Comment: This sequence change replaces leucine, which is neutral and non-polar, with valine, which is neutral and non-polar, at codon 42 of the ALDH3A2 protein (p.Leu42Val). This variant is not present in population databases (gnomAD no frequency). This variant has not been reported in the literature in individuals affected with ALDH3A2-related conditions. Advanced modeling of protein sequence and biophysical properties (such as structural, functional, and spatial information, amino acid conservation, physicochemical variation, residue mobility, and thermodynamic stability) performed at Invitae indicates that this missense variant is not expected to disrupt ALDH3A2 protein function. In summary, the available evidence is currently insufficient to determine the role of this variant in disease. Therefore, it has been classified as a Variant of Uncertain Significance.